The following is an entry in ClinVar:

NM_012144.4(DNAI1):c.1358C>T (p.Ser453Phe)

Gene: DNAI1 (dynein axonemal intermediate chain 1; plus strand). Cytogenetic location: 9p13.3.
Variant type: single nucleotide variant.
Coding change: c.1358C>T on transcript NM_012144.4 (MANE Select); coding-DNA position 1358, C replaced by T.
Protein change: p.Ser453Phe; replaces serine 453 with phenylalanine.
Molecular consequence: missense variant.
Genome position (GRCh38, 1-based): chr9:34,512,155, C>T. VCF-style: chr9-34512155-C-T. GRCh37 (hg19) VCF-style: chr9-34512153-C-T.
Other names: c.1370C>T, p.Ser457Phe (NM_001281428.2); short protein forms S457F, S453F.
Identifiers: ClinVar variation 1496601 (VCV001496601.7), dbSNP rs570528970, ClinGen allele CA5034363.

ClinVar aggregate classification (germline): Uncertain significance. Review status: criteria provided, multiple submitters, no conflicts (2 of 4 stars). 2 submissions from 2 submitters: Uncertain significance (2). Last evaluated 2025-04-22.

Conditions:
Primary ciliary dyskinesia. Also called: Ciliary dyskinesia. Identifiers: Orphanet 244, MedGen C0008780, MONDO:0016575, HP:0012265.
Kartagener syndrome (CILD1). Also called: CILIARY DYSKINESIA, PRIMARY, 1, WITH OR WITHOUT SITUS INVERSUS; IMMOTILE CILIA SYNDROME; CILIARY DYSKINESIA, PRIMARY, 1; POLYNESIAN BRONCHIECTASIS; Dextrocardia bronchiectasis and sinusitis; SIEWERT SYNDROME. Identifiers: Orphanet 244, MedGen C4551906, MONDO:0009484, OMIM 244400.

Allele frequency attached by ClinVar (database versions not stated): gnomAD exomes below 0.00001; ExAC 0.00001; gnomAD 0.00001; 1000 Genomes Project 0.00020; 1000 Genomes Project 30x 0.00031.
gnomAD v4.1: 14 of 1,614,204 alleles (0.00087%); highest among the groups gnomAD compares: African/African-American, 0.0013%; no homozygotes.

Submissions (2):

Victorian Clinical Genetics Services, Murdoch Childrens Research Institute
Classification: Uncertain significance for Kartagener syndrome. Last evaluated: 2025-04-22. Review status: criteria provided, single submitter. Criteria: ACMG Guidelines, 2015. Collection method: clinical testing. Allele origin: germline. Affected: yes.
Comment: This variant is classified as VUS-3A. Evidence in support of pathogenic classification: Variant is present in gnomAD <0.01 for a recessive condition (v4: 14 heterozygote(s), 0 homozygote(s)); Missense variant predicted to be damaging by in silico tool(s) or highly conserved with a major amino acid change. Additional information: Variant is predicted to result in a missense amino acid change from serine to phenylalanine; This variant is heterozygous; This gene is associated with autosomal recessive disease; Alternative amino acid change(s) at the same position are present in gnomAD (Highest allele count: v4: 1 heterozygote(s), 0 homozygote(s)); Previous evidence of pathogenicity for this variant is inconclusive. This variant has been classified as a VUS by a clinical laboratory in ClinVar; No published segregation evidence has been identified for this variant; No published functional evidence has been identified for this variant; No comparable missense variants have previous evidence for pathogenicity; Variant is located in the annotated WD3 domain (UniProt); Loss of function is a known mechanism of disease in this gene and is associated with primary ciliary dyskinesia 1, with or without situs inversus (MIM#244400); Inheritance information for this variant is not currently available in this individual.

Labcorp Genetics (formerly Invitae), Labcorp
Classification: Uncertain significance for Primary ciliary dyskinesia. Last evaluated: 2021-08-31. Review status: criteria provided, single submitter. Criteria: Invitae Variant Classification Sherloc (09022015). Collection method: clinical testing. Allele origin: germline.
Comment: This sequence change replaces serine with phenylalanine at codon 453 of the DNAI1 protein (p.Ser453Phe). The serine residue is highly conserved and there is a large physicochemical difference between serine and phenylalanine. This variant is present in population databases (rs570528970, ExAC 0.01%). This variant has not been reported in the literature in individuals affected with DNAI1-related conditions. Algorithms developed to predict the effect of missense changes on protein structure and function are either unavailable or do not agree on the potential impact of this missense change (SIFT: "Deleterious"; PolyPhen-2: "Probably Damaging"; Align-GVGD: "Class C15"). In summary, the available evidence is currently insufficient to determine the role of this variant in disease. Therefore, it has been classified as a Variant of Uncertain Significance.